The following is an entry in ClinVar:

ClinVar aggregate classification (germline): Uncertain significance (1 of 4 stars; one submission).

Conditions:
Familial cancer of breast. Also called: hereditary breast carcinoma; Hereditary breast cancer; BREAST CANCER, FAMILIAL. Identifiers: Orphanet 227535, MedGen C0346153, MONDO:0016419, OMIM 114480. Disease mechanism: loss of function.

Submission:

Labcorp Genetics (formerly Invitae), Labcorp
Classification: Uncertain significance for Familial cancer of breast. Last evaluated: 2024-01-29. Review status: criteria provided, single submitter. Criteria: Invitae Variant Classification Sherloc (09022015). Collection method: clinical testing. Allele origin: germline.
Comment: This sequence change replaces leucine, which is neutral and non-polar, with valine, which is neutral and non-polar, at codon 226 of the CHEK2 protein (p.Leu226Val). This variant is not present in population databases (gnomAD no frequency). This variant has not been reported in the literature in individuals affected with CHEK2-related conditions. An algorithm developed to predict the effect of missense changes on protein structure and function (PolyPhen-2) suggests that this variant is likely to be disruptive. In summary, the available evidence is currently insufficient to determine the role of this variant in disease. Therefore, it has been classified as a Variant of Uncertain Significance.

NM_007194.4(CHEK2):c.676C>G (p.Leu226Val)

Gene: CHEK2 (checkpoint kinase 2; minus strand). Cytogenetic location: 22q12.1.
Variant type: single nucleotide variant.
Coding change: c.676C>G on transcript NM_007194.4 (MANE Select); coding-DNA position 676, C replaced by G.
Protein change: p.Leu226Val; replaces leucine 226 with valine.
Molecular consequence: missense variant. On other transcripts: intron variant (1).
Genome position (GRCh38, 1-based): chr22:28,719,402, G>C on the plus strand (C>G on the coding strand, the complement: CHEK2 is on the minus strand). VCF-style: chr22-28719402-G-C. GRCh37 (hg19) VCF-style: chr22-29115390-G-C.
Other names: c.676C>G, p.Leu226Val (NM_145862.3); c.482+5484C>G (NM_001349956.3); c.13C>G, p.Leu5Val (NM_001257387.3, NM_001437942.1); c.769C>G, p.Leu257Val (NM_001438293.1, NM_001438295.1); c.805C>G, p.Leu269Val (NM_001005735.3, NM_001438294.1); short protein forms L269V, L226V, L5V, L257V.
Identifiers: ClinVar variation 2870632 (VCV002870632.3), dbSNP rs2146004741, ClinGen allele CA411104858.